The following is an entry in ClinVar:

ClinVar aggregate classification (germline): Benign (1 of 4 stars; one submission).

Conditions:
Lynch syndrome 4 (LYNCH4). Also called: Colorectal cancer, hereditary nonpolyposis, type 4; Hereditary non-polyposis colorectal cancer, type 4. Identifiers: Orphanet 144, MedGen C1838333, MONDO:0013699, OMIM 614337. Disease mechanism: loss of function.

Submission:

Myriad Genetics, Inc.
Classification: Benign for Lynch syndrome 4. Last evaluated: 2025-01-29. Review status: criteria provided, single submitter. Criteria: Myriad Autosomal Dominant, Autosomal Recessive and X-Linked Classification Criteria (2023). Collection method: clinical testing. Allele origin: unknown.
Comment: This variant is considered benign. This variant is a silent/synonymous amino acid change and it is not expected to impact splicing.

NM_000535.7(PMS2):c.1110A>T (p.Leu370=)

Gene: PMS2 (PMS1 homolog 2, mismatch repair system component; minus strand). Cytogenetic location: 7p22.1.
Variant type: single nucleotide variant.
Coding change: c.1110A>T on transcript NM_000535.7 (MANE Select); coding-DNA position 1110, A replaced by T.
Protein change: p.Leu370=; no amino-acid change (leucine 370 retained).
Molecular consequence: synonymous variant. On other transcripts: non-coding transcript variant (1), intron variant (10).
Genome position (GRCh38, 1-based): chr7:5,989,834, T>A on the plus strand (A>T on the coding strand, the complement: PMS2 is on the minus strand). VCF-style: chr7-5989834-T-A. GRCh37 (hg19) VCF-style: chr7-6029465-T-A.
Other names: c.705A>T, p.Leu235= (NM_001322003.2, NM_001322004.2, NM_001322005.2 and 16 more transcripts); c.792A>T, p.Leu264= (NM_001322007.2, NM_001322008.2, NM_001406876.1 and 2 more transcripts); c.177A>T, p.Leu59= (NM_001322011.2, NM_001322012.2); c.537A>T, p.Leu179= (NM_001322013.2, NM_001406909.1); c.1110A>T, p.Leu370= (NM_001322014.2, NM_001406871.1, NM_001406872.1); c.801A>T, p.Leu267= (NM_001322015.2, NM_001406875.1, NM_001406877.1 and 5 more transcripts); c.1296A>T, p.Leu432= (NM_001406866.1); c.1134A>T, p.Leu378= (NM_001406868.1); and 13 more.
Identifiers: ClinVar variation 3904462 (VCV003904462.1).
Genomic context (GRCh38, chr7:5,989,834, plus strand): 5'-CTGTTTGTACACTGTATTTTTCTTACCTTCAACATCCAGCAGTGGCTGCTGACTGACATT[T>A]AGCTTGTTGACATCACTATCAAACATTCCTATCAAAGAGGTCTTTAAAACTGCCAACAAA-3'
Protein context (NP_000526.2, residues 360-380): IGMFDSDVNK[Leu370=]NVSQQPLLDV